The following is an entry in ClinVar:

NM_014049.5(ACAD9):c.1692+1G>A

Genes: CFAP92 (cilia and flagella associated protein 92 (putative); minus strand), ACAD9 (acyl-CoA dehydrogenase family member 9; plus strand). Cytogenetic location: 3q21.3.
Variant type: single nucleotide variant.
Coding change: c.1692+1G>A on transcript NM_014049.5 (MANE Select); the canonical splice donor site of the intron after coding-DNA position 1692, G replaced by A.
Molecular consequence: splice donor variant. On other transcripts: 3 prime UTR variant (3).
Genome position (GRCh38, 1-based): chr3:128,910,150, G>A. VCF-style: chr3-128910150-G-A. GRCh37 (hg19) VCF-style: chr3-128628993-G-A.
Other names: c.*149C>T (NM_001348520.2, NM_001348521.2, NM_001394090.1); c.1323+1G>A (NM_001410805.1); c.1692+1G>A (NM_014049.4).
Identifiers: ClinVar variation 1932297 (VCV001932297.7), dbSNP rs928866725, ClinGen allele CA82540435.

ClinVar aggregate classification (germline): Likely pathogenic. Review status: criteria provided, multiple submitters, no conflicts (2 of 4 stars). 3 submissions from 3 submitters: Likely pathogenic (3). Last evaluated 2024-12-30.

Conditions:
Acyl-CoA dehydrogenase 9 deficiency. Also called: Acyl-CoA dehydrogenase family, member 9, deficiency of; MITOCHONDRIAL COMPLEX I DEFICIENCY, NUCLEAR TYPE 20. Identifiers: Orphanet 99901, MedGen C4747517, MONDO:0012624, OMIM 611126.

Allele frequency attached by ClinVar (database versions not stated): gnomAD exomes below 0.00001; gnomAD 0.00001; TOPMed 0.00001.
gnomAD v4.1: 8 of 1,613,910 alleles (0.0005%); highest among the groups gnomAD compares: African/African-American, 0.0013%; no homozygotes.

Submissions (3):

Labcorp Genetics (formerly Invitae), Labcorp
Classification: Likely pathogenic. Last evaluated: 2024-12-30. Review status: criteria provided, single submitter. Criteria: Invitae Variant Classification Sherloc (09022015). Collection method: clinical testing. Allele origin: germline.
Comment: This sequence change affects a donor splice site in intron 16 of the ACAD9 gene. It is expected to disrupt RNA splicing. Variants that disrupt the donor or acceptor splice site typically lead to a loss of protein function (PMID: 16199547), and loss-of-function variants in ACAD9 are known to be pathogenic (PMID: 25721401). This variant is not present in population databases (gnomAD no frequency). This variant has not been reported in the literature in individuals affected with ACAD9-related conditions. ClinVar contains an entry for this variant (Variation ID: 1932297). Algorithms developed to predict the effect of sequence changes on RNA splicing suggest that this variant may disrupt the consensus splice site. In summary, the currently available evidence indicates that the variant is pathogenic, but additional data are needed to prove that conclusively. Therefore, this variant has been classified as Likely Pathogenic.

Natera, Inc.
Classification: Likely pathogenic for ACAD9 deficiency. Last evaluated: 2024-10-02. Review status: criteria provided, single submitter. Criteria: Natera Variant Classification Schema (03/2026). Collection method: clinical testing. Allele origin: germline.
Comment: The c.1692+1G>A variant in ACAD9 is a canonical splice donor site variant predicted to affect pre-mRNA splicing, which may result in an abnormal transcript and altered protein product. This variant is expected to result in nonsense mediated decay, truncation, or a dysfunctional protein product. This variant is rare in the general population with a frequency below the threshold expected for the associated phenotype(s). Given the available evidence, this variant is classified as Likely Pathogenic.

Baylor Genetics
Classification: Likely pathogenic for Acyl-CoA dehydrogenase 9 deficiency. Last evaluated: 2023-10-18. Review status: criteria provided, single submitter. Criteria: ACMG Guidelines, 2015. Collection method: clinical testing. Allele origin: unknown.

Literature cited by the submitters: PubMed 16199547 (cited by Labcorp Genetics (formerly Invitae), Labcorp); PubMed 25721401 (cited by Labcorp Genetics (formerly Invitae), Labcorp).